The following is an entry in ClinVar:

ClinVar aggregate classification (germline): Uncertain significance. Review status: criteria provided, multiple submitters, no conflicts (2 of 4 stars). 6 submissions from 6 submitters: Uncertain significance (5). 1 of the submissions does not count toward it. Last evaluated 2025-04-24.

Conditions:
Familial thoracic aortic aneurysm and aortic dissection (TAAD). Also called: Thoracic aortic aneurysms and dissections. Identifiers: Orphanet 91387, MedGen C4707243, MONDO:0019625.
Aortic aneurysm, familial thoracic 4 (AAT4). Also called: AORTIC ANEURYSM/AORTIC DISSECTION AND PATENT DUCTUS ARTERIOSUS. Identifiers: MedGen C1851504, MONDO:0007568, OMIM 132900.

Allele frequency attached by ClinVar (database versions not stated): gnomAD exomes below 0.00001; gnomAD 0.00001.
gnomAD v4.1: 2 of 1,598,468 alleles (0.00013%); highest among the groups gnomAD compares: Non-Finnish European, 0.00017%; no homozygotes.

Submissions (6):

Labcorp Genetics (formerly Invitae), Labcorp
Classification: Uncertain significance for Aortic aneurysm, familial thoracic 4. Last evaluated: 2025-04-24. Review status: criteria provided, single submitter. Criteria: Invitae Variant Classification Sherloc (09022015). Collection method: clinical testing. Allele origin: germline.
Comment: This sequence change replaces isoleucine, which is neutral and non-polar, with threonine, which is neutral and polar, at codon 1745 of the MYH11 protein (p.Ile1745Thr). This variant is present in population databases (rs794729642, gnomAD 0.0009%). This missense change has been observed in individual(s) with autosomal dominant thoracic aortic aneurysm (internal data). ClinVar contains an entry for this variant (Variation ID: 203373). Invitae Evidence Modeling of protein sequence and biophysical properties (such as structural, functional, and spatial information, amino acid conservation, physicochemical variation, residue mobility, and thermodynamic stability) indicates that this missense variant is not expected to disrupt MYH11 protein function with a negative predictive value of 95%. In summary, the available evidence is currently insufficient to determine the role of this variant in disease. Therefore, it has been classified as a Variant of Uncertain Significance.

Ambry Genetics
Classification: Uncertain significance for Familial thoracic aortic aneurysm and aortic dissection. Last evaluated: 2024-07-05. Review status: criteria provided, single submitter. Criteria: Ambry Variant Classification Scheme 2023. Collection method: clinical testing. Allele origin: germline.

Color Diagnostics, LLC DBA Color Health
Classification: Uncertain significance for Familial thoracic aortic aneurysm and aortic dissection. Last evaluated: 2024-03-06. Review status: criteria provided, single submitter. Criteria: ACMG Guidelines, 2015. Collection method: clinical testing. Allele origin: germline.
Comment: This missense variant replaces isoleucine with threonine at codon 1745 of the MYH11 protein. Computational prediction suggests that this variant may have deleterious impact on protein structure and function (internally defined REVEL score threshold >= 0.7, PMID: 27666373). To our knowledge, functional studies have not been reported for this variant. This variant has not been reported in individuals affected with MYH11-related disorders in the literature. This variant has been identified in 1/260456 chromosomes in the general population by the Genome Aggregation Database (gnomAD). The available evidence is insufficient to determine the role of this variant in disease conclusively. Therefore, this variant is classified as a Variant of Uncertain Significance.

All of Us Research Program, National Institutes of Health
Classification: Uncertain significance for Familial thoracic aortic aneurysm and aortic dissection. Last evaluated: 2023-06-08. Review status: criteria provided, single submitter. Criteria: ACMG Guidelines, 2015. Collection method: clinical testing. Allele origin: germline. Inheritance: Autosomal dominant inheritance. Observed: 1 variant allele, 1 heterozygote.
Comment: This missense variant replaces isoleucine with threonine at codon 1745 of the MYH11 protein. Computational prediction suggests that this variant may have deleterious impact on protein structure and function (internally defined REVEL score threshold >= 0.7, PMID: 27666373). To our knowledge, functional studies have not been reported for this variant. This variant has not been reported in individuals affected with cardiovascular disorders in the literature. This variant has been identified in 1/260456 chromosomes in the general population by the Genome Aggregation Database (gnomAD). The available evidence is insufficient to determine the role of this variant in disease conclusively. Therefore, this variant is classified as a Variant of Uncertain Significance.

This study involves interpretation of variants in research participants for the purpose of population health screening. Participant phenotype was not available at the time of variant classification. Additional details can be found in publication PMID: 35346344, PMCID: PMC8962531

CeGaT Center for Human Genetics Tuebingen
Classification: Uncertain significance. Last evaluated: 2023-03-01. Review status: criteria provided, single submitter. Criteria: CeGaT Center For Human Genetics Tuebingen Variant Classification Criteria Version 2. Collection method: clinical testing. Allele origin: germline. Affected: yes. Observed: 1 variant allele.
Comment: MYH11: PM2, PP3

Division of Human Genetics, Children's Hospital of Philadelphia
Classification: Uncertain significance for Aortic aneurysm, familial thoracic 4. Last evaluated: 2015-03-24. Review status: no assertion criteria provided. Collection method: research. Allele origin: paternal. Affected: no. Study: CSER-PediSeq. Not counted in ClinVar's aggregate classification.
Comment: This variant (c.5234T>C) is classified as a variant of uncertain significance (VUS) because it has not previously been reported in literature and does not occur in a large database of control samples (ExAC 0.3). Computational evidence is suggestive of a pathogenic variant. It is located in highly conserved nucleotide and amino acid positions and occurs in the myosin tail functional domain according to InterPro. Furthermore, the amino acid substitution involves a change from isoleucine to threonine, which is not a conservative alteration.

NM_002474.3(MYH11):c.5213T>C (p.Ile1738Thr)

Genes: MYH11 (myosin heavy chain 11; minus strand), NDE1 (nudE neurodevelopment protein 1; plus strand). Cytogenetic location: 16p13.11.
Variant type: single nucleotide variant.
Coding change: c.5213T>C on transcript NM_002474.3 (MANE Select); coding-DNA position 5213, T replaced by C.
Protein change: p.Ile1738Thr; replaces isoleucine 1738 with threonine.
Molecular consequence: missense variant. On other transcripts: intron variant (2).
Genome position (GRCh38, 1-based): chr16:15,718,397, A>G on the plus strand (T>C on the coding strand, the complement: MYH11 is on the minus strand). VCF-style: chr16-15718397-A-G. GRCh37 (hg19) VCF-style: chr16-15812254-A-G.
Other names: c.5234T>C, p.Ile1745Thr (NM_001040113.2, NM_001040114.2); c.5213T>C, p.Ile1738Thr (NM_022844.3); c.948-5794A>G (NM_001143979.2, NM_017668.3); short protein forms I1738T, I1745T.
Identifiers: ClinVar variation 203373 (VCV000203373.43), dbSNP rs794729642, ClinGen allele CA275505.